The following is an entry in ClinVar:

NM_201384.3(PLEC):c.5243A>G (p.Gln1748Arg)

Gene: PLEC (plectin; minus strand). Cytogenetic location: 8q24.3.
Variant type: single nucleotide variant.
Coding change: c.5243A>G on transcript NM_201384.3 (MANE Select); coding-DNA position 5243, A replaced by G.
Protein change: p.Gln1748Arg; replaces glutamine 1748 with arginine.
Molecular consequence: missense variant. On other transcripts: intron variant (1).
Genome position (GRCh38, 1-based): chr8:143,924,686, T>C on the plus strand (A>G on the coding strand, the complement: PLEC is on the minus strand). VCF-style: chr8-143924686-T-C. GRCh37 (hg19) VCF-style: chr8-144998854-T-C.
Other names: c.5324A>G, p.Gln1775Arg (NM_000445.5); c.5201A>G, p.Gln1734Arg (NM_201378.4); c.5177A>G, p.Gln1726Arg (NM_201379.3); c.5654A>G, p.Gln1885Arg (NM_201380.4); c.5147A>G, p.Gln1716Arg (NM_201381.3); c.5243A>G, p.Gln1748Arg (NM_201382.4); c.5255A>G, p.Gln1752Arg (NM_201383.3); c.4125+2098A>G (NM_001410941.1); short protein forms Q1716R, Q1734R, Q1726R, Q1748R, Q1752R, Q1775R, Q1885R.
Identifiers: ClinVar variation 4790343 (VCV004790343.1).
Genomic context (GRCh38, chr8:143,924,686, plus strand): 5'-AGCAGCACCTCCATCTCGGCCCGCACCTTGGCCAGCTCGGCTTCCAGCTCCTGCCGTTTC[T>C]GCGTGGCTGCAGCCGCCTCACGCTGCAGCCGGGCCAGCTCCTCCTCCAGCAGCTGCCGCT-3'
Protein context (NP_958786.1, residues 1738-1758): RLQREAAAAT[Gln1748Arg]KRQELEAELA

ClinVar aggregate classification (germline): Uncertain significance (1 of 4 stars; one submission).

Conditions:
Epidermolysis bullosa simplex with nail dystrophy (EBS5D). Identifiers: MedGen C4225309, MONDO:0014661, OMIM 616487.
Epidermolysis bullosa simplex, Ogna type (EBS5A). Also called: EPIDERMOLYSIS BULLOSA SIMPLEX 5A, OGNA TYPE; Pidermolysis bullosa simplex 5A, Ogna type. Identifiers: Orphanet 79401, MedGen C0432317, MONDO:0007555, OMIM 131950.
Autosomal recessive limb-girdle muscular dystrophy type 2Q (LGMDR17). Also called: MUSCULAR DYSTROPHY, LIMB-GIRDLE, AUTOSOMAL RECESSIVE 17. Identifiers: Orphanet 254361, MedGen C3150989, MONDO:0013390, OMIM 613723.
Epidermolysis bullosa simplex 5B, with muscular dystrophy (EBS5B). Also called: EPIDERMOLYSIS BULLOSA SIMPLEX AND LIMB-GIRDLE MUSCULAR DYSTROPHY; Epidermolysis bullosa simplex with muscular dystrophy. Identifiers: Orphanet 257, MedGen C2931072, MONDO:0009181, OMIM 226670.
Epidermolysis bullosa simplex 5C, with pyloric atresia (EBS5C). Also called: PLEC-Related Epidermolysis Bullosa with Pyloric Atresia; Epidermolysis bullosa simplex with pyloric atresia; PLEC1-Related Epidermolysis Bullosa with Pyloric Atresia. Identifiers: Orphanet 158684, MedGen C2677349, MONDO:0012807, OMIM 612138.

gnomAD v4.1: 2 of 1,534,664 alleles (0.00013%); highest among the groups gnomAD compares: Non-Finnish European, 0.00017%; no homozygotes.

Submission:

Labcorp Genetics (formerly Invitae), Labcorp
Classification: Uncertain significance for Autosomal recessive limb-girdle muscular dystrophy type 2Q; Epidermolysis bullosa simplex, Ogna type; Epidermolysis bullosa simplex with nail dystrophy; Epidermolysis bullosa simplex 5C, with pyloric atresia; Epidermolysis bullosa simplex 5B, with muscular dystrophy. Last evaluated: 2025-10-06. Review status: criteria provided, single submitter. Criteria: Invitae Variant Classification Sherloc (09022015). Collection method: clinical testing. Allele origin: germline.
Comment: This sequence change replaces glutamine, which is neutral and polar, with arginine, which is basic and polar, at codon 1775 of the PLEC protein (p.Gln1775Arg). This variant is not present in population databases (gnomAD no frequency). This variant has not been reported in the literature in individuals affected with PLEC-related conditions. Experimental studies and prediction algorithms are not available or were not evaluated, and the functional significance of this variant is currently unknown. In summary, the available evidence is currently insufficient to determine the role of this variant in disease. Therefore, it has been classified as a Variant of Uncertain Significance.